The following is an entry in ClinVar:

NM_001148.6(ANK2):c.5751G>A (p.Ser1917=)

Genes: ANK2 (ankyrin 2; plus strand), LOC126807136 (MED14-independent group 3 enhancer GRCh37_chr4:114274931-114276130; plus strand). Cytogenetic location: 4q26.
Variant type: single nucleotide variant.
Coding change: c.5751G>A on transcript NM_001148.6 (MANE Select); coding-DNA position 5751, G replaced by A.
Protein change: p.Ser1917=; no amino-acid change (serine 1917 retained).
Molecular consequence: synonymous variant. On other transcripts: intron variant (68).
Genome position (GRCh38, 1-based): chr4:113,354,369, G>A. VCF-style: chr4-113354369-G-A. GRCh37 (hg19) VCF-style: chr4-114275525-G-A.
Other names: c.5517G>A, p.Ser1839= (NM_001386142.1); c.2151G>A, p.Ser717= (NM_001386166.1); c.5892G>A, p.Ser1964= (NM_001386174.1); c.5868G>A, p.Ser1956= (NM_001386175.1); c.4411+4120G>A (NM_001386186.2, NM_001386148.2); c.4213+4120G>A (NM_001354269.3); c.4291+4120G>A (NM_001386187.2); c.4252+4120G>A (NM_001386147.1); and 35 more.
Identifiers: ClinVar variation 518053 (VCV000518053.2), dbSNP rs769540083, ClinGen allele CA3051282.

ClinVar aggregate classification (germline): Likely benign. Review status: criteria provided, multiple submitters, no conflicts (2 of 4 stars). 2 submissions from 2 submitters: Likely benign (2). Last evaluated 2025-03-25.

Conditions:
Cardiovascular phenotype. Identifiers: MedGen CN230736.

Allele frequency attached by ClinVar (database versions not stated): ExAC 0.00001; gnomAD exomes below 0.00001 and 0.00001; TOPMed 0.00001.
gnomAD v4.1: 5 of 1,613,874 alleles (0.00031%); highest among the groups gnomAD compares: East Asian, 0.0022%; no homozygotes.

Submissions (2):

Ambry Genetics
Classification: Likely benign for Cardiovascular phenotype. Last evaluated: 2025-03-25. Review status: criteria provided, single submitter. Criteria: Ambry Variant Classification Scheme 2023. Collection method: clinical testing. Allele origin: germline.

GeneDx
Classification: Likely benign. Last evaluated: 2017-06-15. Review status: criteria provided, single submitter. Criteria: GeneDx Variant Classification (06012015). Collection method: clinical testing. Allele origin: germline. Affected: yes.
Comment: This variant is considered likely benign or benign based on one or more of the following criteria: it is a conservative change, it occurs at a poorly conserved position in the protein, it is predicted to be benign by multiple in silico algorithms, and/or has population frequency not consistent with disease.